The following is an entry in ClinVar:

ClinVar aggregate classification (germline): Likely benign. Review status: reviewed by expert panel (3 of 4 stars). 2 submissions from 2 submitters: Likely benign (1). 1 of the submissions does not count toward it. Last evaluated 2025-01-15.

Conditions:
Hereditary thrombocytopenia and hematologic cancer predisposition syndrome. Identifiers: Orphanet 71290, MedGen CN281654, MONDO:0011071.
Hereditary thrombocytopenia and hematological cancer predisposition syndrome associated with RUNX1. Also called: PLATELET DISORDER, ASPIRIN-LIKE; RUNX1 Familial Platelet Disorder with Associated Myeloid Malignancies; Familial Platelet Disorder with Propensity to Acute Myelogenous Leukemia; Familial thrombocytopenia with propensity to acute myelogenous leukemia. Identifiers: Orphanet 71290, MedGen C1832388, MeSH C563324, MONDO:0100083, OMIM 601399.

Allele frequency attached by ClinVar (database versions not stated): gnomAD exomes 0.00008; gnomAD 0.00016 and 0.00020; TOPMed 0.00029; 1000 Genomes Project 0.00080; 1000 Genomes Project 30x 0.00125.
gnomAD v4.1: 38 of 232,420 alleles (0.016%); highest among the groups gnomAD compares: Admixed American, 0.13%; no homozygotes.

Submissions (2):

ClinGen Myeloid Malignancy Variant Curation Expert Panel
Classification: Likely benign for Hereditary thrombocytopenia and hematologic cancer predisposition syndrome. Last evaluated: 2025-01-15. Review status: reviewed by expert panel. Criteria: ClinGen MyeloMalig ACMG Specifications v2. Collection method: curation. Allele origin: germline. Inheritance: Autosomal dominant inheritance.
Comment: NM_001754.5(RUNX1):c.*3582G>A is a 3' UTR variant, which has an MAF of 0.01297 (0.1297%, 23/17732 alleles) in the Admixed American subpopulation of the gnomAD v4.1.0 cohort is between 0.00015 (0.015%) and 0.0015 (0.15%) (BS1). In summary, this variant meets criteria to be classified as likely benign. ACMG/AMP criteria applied, as specified by the Myeloid Malignancy Variant Curation Expert Panel for RUNX1: BS1.

Illumina Laboratory Services, Illumina
Classification: Benign for Hereditary thrombocytopenia and hematological cancer predisposition syndrome associated with RUNX1. Last evaluated: 2018-01-12. Review status: criteria provided, single submitter. Criteria: ICSL Variant Classification Criteria 13 December 2019. Collection method: clinical testing. Allele origin: germline. Not counted in ClinVar's aggregate classification.
Comment: This variant was observed in the ICSL laboratory as part of a predisposition screen in an ostensibly healthy population. It had not been previously curated by ICSL or reported in the Human Gene Mutation Database (HGMD: prior to June 1st, 2018), and was therefore a candidate for classification through an automated scoring system. Utilizing variant allele frequency, disease prevalence and penetrance estimates, and inheritance mode, an automated score was calculated to assess if this variant is too frequent to cause the disease. Based on the score and internal cut-off values, a variant classified as benign is not then subjected to further curation. The score for this variant resulted in a classification of benign for this disease.

NM_001754.5(RUNX1):c.*3582G>A

Gene: RUNX1 (RUNX family transcription factor 1; minus strand). Cytogenetic location: 21q22.12.
Variant type: single nucleotide variant.
Coding change: c.*3582G>A on transcript NM_001754.5 (MANE Select); 3582 bases downstream of the stop codon, G replaced by A.
Molecular consequence: 3 prime UTR variant.
Genome position (GRCh38, 1-based): chr21:34,788,553, C>T on the plus strand (G>A on the coding strand, the complement: RUNX1 is on the minus strand). VCF-style: chr21-34788553-C-T. GRCh37 (hg19) VCF-style: chr21-36160850-C-T.
Other names: c.*3582G>A (NM_001001890.3).
Identifiers: ClinVar variation 897095 (VCV000897095.6), dbSNP rs193254325, ClinGen allele CA320248519.